The following is an entry in ClinVar:

NC_000015.10:g.73377711_73377722del

Genes: HCN4 (hyperpolarization activated cyclic nucleotide gated potassium channel 4; minus strand), LOC110121492 (VISTA enhancer hs2161; plus strand). Cytogenetic location: 15q24.1.
Variant type: Deletion.
Genome position: GRCh38 VCF-style: chr15-73377699-CAGAGGCTGTGAT-C. GRCh37 (hg19) VCF-style: chr15-73670040-CAGAGGCTGTGAT-C.
Identifiers: ClinVar variation 2645527 (VCV002645527.24), dbSNP rs1325945123, ClinGen allele CA619079442.

ClinVar aggregate classification (germline): Likely benign (1 of 4 stars; one submission).

Submission:

CeGaT Center for Human Genetics Tuebingen
Classification: Likely benign. Last evaluated: 2023-03-01. Review status: criteria provided, single submitter. Criteria: CeGaT Center For Human Genetics Tuebingen Variant Classification Criteria Version 2. Collection method: clinical testing. Allele origin: germline. Affected: yes. Observed: 4 variant alleles.
Comment: HCN4: BS2